The following is an entry in ClinVar:

ClinVar aggregate classification (germline): Likely pathogenic (1 of 4 stars; one submission).

Conditions:
Very long chain acyl-CoA dehydrogenase deficiency (ACADVLD). Also called: Very Long-Chain Acyl-Coenzyme A Dehydrogenase Deficiency; VLCAD Deficiency. Identifiers: Orphanet 26793, MedGen C3887523, MONDO:0008723, OMIM 201475.

Submission:

Labcorp Genetics (formerly Invitae), Labcorp
Classification: Likely pathogenic for Very long chain acyl-CoA dehydrogenase deficiency. Last evaluated: 2022-11-15. Review status: criteria provided, single submitter. Criteria: Invitae Variant Classification Sherloc (09022015). Collection method: clinical testing. Allele origin: germline.
Comment: In summary, the currently available evidence indicates that the variant is pathogenic, but additional data are needed to prove that conclusively. Therefore, this variant has been classified as Likely Pathogenic. This variant disrupts the p.Gly514 amino acid residue in ACADVL. Other variant(s) that disrupt this residue have been determined to be pathogenic (PMID: 23480858, 30194637). This suggests that this residue is clinically significant, and that variants that disrupt this residue are likely to be disease-causing. Advanced modeling of protein sequence and biophysical properties (such as structural, functional, and spatial information, amino acid conservation, physicochemical variation, residue mobility, and thermodynamic stability) performed at Invitae indicates that this missense variant is expected to disrupt ACADVL protein function. ClinVar contains an entry for this variant (Variation ID: 1509950). This variant has not been reported in the literature in individuals affected with ACADVL-related conditions. This variant is not present in population databases (gnomAD no frequency). This sequence change replaces glycine, which is neutral and non-polar, with arginine, which is basic and polar, at codon 514 of the ACADVL protein (p.Gly514Arg).

Literature cited by the submitters: PubMed 23480858; PubMed 30194637.

NM_000018.4(ACADVL):c.1540G>C (p.Gly514Arg)

Gene: ACADVL (acyl-CoA dehydrogenase very long chain; plus strand). Cytogenetic location: 17p13.1.
Variant type: single nucleotide variant.
Coding change: c.1540G>C on transcript NM_000018.4 (MANE Select); coding-DNA position 1540, G replaced by C.
Protein change: p.Gly514Arg; replaces glycine 514 with arginine.
Molecular consequence: missense variant.
Genome position (GRCh38, 1-based): chr17:7,224,328, G>C. VCF-style: chr17-7224328-G-C. GRCh37 (hg19) VCF-style: chr17-7127647-G-C.
Other names: c.1474G>C, p.Gly492Arg (NM_001033859.3); c.1609G>C, p.Gly537Arg (NM_001270447.2); c.1312G>C, p.Gly438Arg (NM_001270448.2); short protein forms G537R, G438R, G514R, G492R.
Identifiers: ClinVar variation 1509950 (VCV001509950.6), dbSNP rs370282954, ClinGen allele CA397725337.
Genomic context (GRCh38, chr17:7,224,328, plus strand): 5'-GAGGGCAGGGTGGTGTATGGCAACTAACCAGTCATTCTCCCTCTTCCTCTCAGGCGGGCA[G>C]GGCTGGGCAGCGGCCTGAGTCTCAGCGGACTTGTCCACCCGGAGTTGAGTCGGAGTGGCG-3'
Protein context (NP_000009.1, residues 504-524): EAGKQLRRRA[Gly514Arg]LGSGLSLSGL